The following is an entry in ClinVar:

ClinVar aggregate classification (germline): Uncertain significance. Review status: criteria provided, multiple submitters, no conflicts (2 of 4 stars). 2 submissions from 2 submitters: Uncertain significance (2). Last evaluated 2025-04-10.

Conditions:
Inborn genetic diseases. Identifiers: MedGen C0950123, MeSH D030342.
Baller-Gerold syndrome (BGS). Also called: CRANIOSYNOSTOSIS WITH RADIAL DEFECTS. Identifiers: Orphanet 1225, MedGen C0265308, MONDO:0009039, OMIM 218600.

Allele frequency attached by ClinVar (database versions not stated): gnomAD 0.00001; gnomAD exomes 0.00001; TOPMed 0.00002.
gnomAD v4.1: 12 of 1,611,190 alleles (0.00074%); highest among the groups gnomAD compares: Non-Finnish European, 0.00093%; no homozygotes.

Submissions (2):

Labcorp Genetics (formerly Invitae), Labcorp
Classification: Uncertain significance for Baller-Gerold syndrome. Last evaluated: 2025-04-10. Review status: criteria provided, single submitter. Criteria: Invitae Variant Classification Sherloc (09022015). Collection method: clinical testing. Allele origin: germline.
Comment: This sequence change replaces proline, which is neutral and non-polar, with leucine, which is neutral and non-polar, at codon 592 of the RECQL4 protein (p.Pro592Leu). This variant is not present in population databases (gnomAD no frequency). This variant has not been reported in the literature in individuals affected with RECQL4-related conditions. ClinVar contains an entry for this variant (Variation ID: 1057130). Invitae Evidence Modeling of protein sequence and biophysical properties (such as structural, functional, and spatial information, amino acid conservation, physicochemical variation, residue mobility, and thermodynamic stability) indicates that this missense variant is not expected to disrupt RECQL4 protein function with a negative predictive value of 80%. In summary, the available evidence is currently insufficient to determine the role of this variant in disease. Therefore, it has been classified as a Variant of Uncertain Significance.

Ambry Genetics
Classification: Uncertain significance for Inborn genetic diseases. Last evaluated: 2025-02-08. Review status: criteria provided, single submitter. Criteria: Ambry Variant Classification Scheme 2023. Collection method: clinical testing. Allele origin: germline.
Comment: The p.P592L variant (also known as c.1775C>T), located in coding exon 11 of the RECQL4 gene, results from a C to T substitution at nucleotide position 1775. The proline at codon 592 is replaced by leucine, an amino acid with similar properties. This amino acid position is conserved. In addition, this alteration is predicted to be tolerated by in silico analysis. Based on the available evidence, the clinical significance of this variant remains unclear.

NM_004260.4(RECQL4):c.1775C>T (p.Pro592Leu)

Gene: RECQL4 (RecQ like helicase 4; minus strand). Cytogenetic location: 8q24.3.
Variant type: single nucleotide variant.
Coding change: c.1775C>T on transcript NM_004260.4 (MANE Select); coding-DNA position 1775, C replaced by T.
Protein change: p.Pro592Leu; replaces proline 592 with leucine.
Molecular consequence: missense variant.
Genome position (GRCh38, 1-based): chr8:144,514,292, G>A on the plus strand (C>T on the coding strand, the complement: RECQL4 is on the minus strand). VCF-style: chr8-144514292-G-A. GRCh37 (hg19) VCF-style: chr8-145739676-G-A.
Other names: c.1775C>T (NM_004260.3); short protein forms P592L.
Identifiers: ClinVar variation 1057130 (VCV001057130.5), dbSNP rs951288456, ClinGen allele CA187685140.